The following is an entry in ClinVar:

ClinVar aggregate classification (germline): Conflicting classifications of pathogenicity. Review status: criteria provided, conflicting classifications (1 of 4 stars). 3 submissions from 3 submitters: Likely pathogenic (1); Uncertain significance (2). Last evaluated 2026-05-04.

Conditions:
Juvenile amyotrophic lateral sclerosis (JALS). Also called: Juvenile Amyotrophic Lateral Sclerosis (JALS). Identifiers: Orphanet 300605, MedGen C3468114, MONDO:0017593.

Submissions (3):

Division of Neurology, Stellenbosch University
Classification: Likely pathogenic for Juvenile amyotrophic lateral sclerosis. Last evaluated: 2026-05-04. Review status: criteria provided, single submitter. Criteria: ACMG Guidelines, 2015. Collection method: research. Allele origin: germline. Inheritance: Autosomal dominant inheritance. Affected: yes. Observed: 1 variant allele, 1 heterozygote.
Comment: PS2_Strong: De Novo variant (confirmed by trio Sanger) in a patient with the disease and no family history; PS3_Strong: In vitro functional studies supportive of a damaging effect on the gene product (PMID: 38041684); PM2_Supporting: absent from gnomAD v4.1. Sequencing funded by the International Centre for Genomic Medicine in Neuromuscular Diseases (ICGNMD).

Greenwood Genetic Center Diagnostic Laboratories, Greenwood Genetic Center
Classification: Uncertain significance. Last evaluated: 2022-06-02. Review status: criteria provided, single submitter. Criteria: ACMG Guidelines, 2015. Collection method: clinical testing. Allele origin: germline. Affected: yes.
Comment: PM2

Blueprint Genetics
Classification: Uncertain significance. Last evaluated: 2020-03-17. Review status: criteria provided, single submitter. Criteria: ACMG Guidelines, 2015. Collection method: clinical testing. Allele origin: germline.

Literature cited by the submitters: PubMed 38041684 (cited by Division of Neurology, Stellenbosch University).

NM_004863.4(SPTLC2):c.203T>G (p.Met68Arg)

Gene: SPTLC2 (serine palmitoyltransferase long chain base subunit 2; minus strand). Cytogenetic location: 14q24.3.
Variant type: single nucleotide variant.
Coding change: c.203T>G on transcript NM_004863.4 (MANE Select); coding-DNA position 203, T replaced by G.
Protein change: p.Met68Arg; replaces methionine 68 with arginine.
Molecular consequence: missense variant.
Genome position (GRCh38, 1-based): chr14:77,597,310, A>C on the plus strand (T>G on the coding strand, the complement: SPTLC2 is on the minus strand). VCF-style: chr14-77597310-A-C. GRCh37 (hg19) VCF-style: chr14-78063653-A-C.
Other names: short protein forms M68R.
Identifiers: ClinVar variation 1703088 (VCV001703088.4), dbSNP rs2503542330, ClinGen allele CA390705660.